The following is an entry in ClinVar:

ClinVar aggregate classification (germline): Pathogenic (1 of 4 stars; one submission).

Conditions:
T-B+ severe combined immunodeficiency due to JAK3 deficiency. Also called: SCID, autosomal recessive, T-negative/B-positive type; SCID, T CELL-NEGATIVE, B CELL-POSITIVE, NK CELL-NEGATIVE. Identifiers: Orphanet 35078, MedGen C1833275, MONDO:0010938, OMIM 600802.

Submission:

Labcorp Genetics (formerly Invitae), Labcorp
Classification: Pathogenic for T-B+ severe combined immunodeficiency due to JAK3 deficiency. Last evaluated: 2025-10-29. Review status: criteria provided, single submitter. Criteria: Invitae Variant Classification Sherloc (09022015). Collection method: clinical testing. Allele origin: germline.
Comment: This sequence change affects a donor splice site in intron 17 of the JAK3 gene. RNA analysis indicates that disruption of this splice site induces altered splicing and may result in an absent or altered protein product. This variant is not present in population databases (gnomAD no frequency). Disruption of this splice site has been observed in individual(s) with severe combined immunodeficiency (PMID: 8704236). ClinVar contains an entry for this variant (Variation ID: 2747421). Studies have shown that disruption of this splice site alters JAK3 gene expression (PMID: 7659163). Studies have shown that disruption of this splice site results in skipping of exon 17, and produces a non-functional protein and/or introduces a premature termination codon (PMID: 7659163). For these reasons, this variant has been classified as Pathogenic.

Literature cited by the submitters: PubMed 8704236; PubMed 7659163.

NM_000215.4(JAK3):c.2350+1G>T

Gene: JAK3 (Janus kinase 3; minus strand). Cytogenetic location: 19p13.11.
Variant type: single nucleotide variant.
Coding change: c.2350+1G>T on transcript NM_000215.4 (MANE Select); the canonical splice donor site of the intron after coding-DNA position 2350, G replaced by T.
Molecular consequence: splice donor variant.
Genome position (GRCh38, 1-based): chr19:17,834,570, C>A on the plus strand (G>T on the coding strand, the complement: JAK3 is on the minus strand). VCF-style: chr19-17834570-C-A. GRCh37 (hg19) VCF-style: chr19-17945379-C-A.
Identifiers: ClinVar variation 2747421 (VCV002747421.3), dbSNP rs2147681264, ClinGen allele CA404767240.